The following is an entry in ClinVar:

ClinVar aggregate classification (germline): Uncertain significance (1 of 4 stars; one submission).

Conditions:
Desmin-related myofibrillar myopathy (MFM1). Also called: MYOFIBRILLAR MYOPATHY WITH ARRHYTHMOGENIC RIGHT VENTRICULAR CARDIOMYOPATHY; DESMIN-RELATED MYOPATHY WITH ARRHYTHMOGENIC RIGHT VENTRICULAR CARDIOMYOPATHY; Desminopathy; Myofibrillar myopathy 1; Desmin related myopathy (former name); Desmin storage myopathy (former name). Identifiers: Orphanet 363543, Orphanet 98909, MedGen C1832370, MONDO:0011076, OMIM 601419.

Allele frequency attached by ClinVar (database versions not stated): gnomAD 0.00001; gnomAD exomes 0.00001.

Submission:

Labcorp Genetics (formerly Invitae), Labcorp
Classification: Uncertain significance for Desmin-related myofibrillar myopathy. Last evaluated: 2019-07-25. Review status: criteria provided, single submitter. Criteria: Invitae Variant Classification Sherloc (09022015). Collection method: clinical testing. Allele origin: germline.
Comment: In summary, the available evidence is currently insufficient to determine the role of this variant in disease. Therefore, it has been classified as a Variant of Uncertain Significance. Nucleotide substitutions within the consensus splice site are a relatively common cause of aberrant splicing (PMID: 17576681, 9536098). Algorithms developed to predict the effect of sequence changes on RNA splicing suggest that this variant is not likely to affect RNA splicing, but this prediction has not been confirmed by published transcriptional studies. This variant has not been reported in the literature in individuals with DES-related conditions. This variant is not present in population databases (ExAC no frequency). This sequence change falls in intron 4 of the DES gene. It does not directly change the encoded amino acid sequence of the DES protein, but it affects a nucleotide within the consensus splice site of the intron.

Literature cited by the submitters: PubMed 17576681; PubMed 9536098.

NM_001927.4(DES):c.897+4G>A

Gene: DES (desmin; plus strand). Cytogenetic location: 2q35.
Variant type: single nucleotide variant.
Coding change: c.897+4G>A on transcript NM_001927.4 (MANE Select); 4 bases into the intron after coding-DNA position 897, G replaced by A.
Molecular consequence: intron variant.
Genome position (GRCh38, 1-based): chr2:219,420,660, G>A. VCF-style: chr2-219420660-G-A. GRCh37 (hg19) VCF-style: chr2-220285382-G-A.
Other names: c.897+4G>A (NM_001382712.1, NM_001382711.1, NM_001382710.1); c.735+314G>A (NM_001382709.1); c.894+4G>A (NM_001382708.1); c.627+4G>A (NM_001382713.1).
Identifiers: ClinVar variation 950176 (VCV000950176.9), dbSNP rs1329171337, ClinGen allele CA539843169.